The following is an entry in ClinVar:

ClinVar aggregate classification (germline): Uncertain significance (1 of 4 stars; one submission).

gnomAD v4.1: 118 of 1,612,902 alleles (0.0073%); highest among the groups gnomAD compares: Non-Finnish European, 0.01%; no homozygotes.

Submission:

Labcorp Genetics (formerly Invitae), Labcorp
Classification: Uncertain significance. Last evaluated: 2024-12-24. Review status: criteria provided, single submitter. Criteria: Invitae Variant Classification Sherloc (09022015). Collection method: clinical testing. Allele origin: germline.
Comment: This sequence change replaces histidine, which is basic and polar, with tyrosine, which is neutral and polar, at codon 684 of the TFRC protein (p.His684Tyr). This variant is not present in population databases (gnomAD no frequency). This variant has not been reported in the literature in individuals affected with TFRC-related conditions. Invitae Evidence Modeling of protein sequence and biophysical properties (such as structural, functional, and spatial information, amino acid conservation, physicochemical variation, residue mobility, and thermodynamic stability) indicates that this missense variant is not expected to disrupt TFRC protein function with a negative predictive value of 80%. In summary, the available evidence is currently insufficient to determine the role of this variant in disease. Therefore, it has been classified as a Variant of Uncertain Significance.

NM_001128148.3(TFRC):c.2050C>T (p.His684Tyr)

Gene: TFRC (transferrin receptor; minus strand). Cytogenetic location: 3q29.
Variant type: single nucleotide variant.
Coding change: c.2050C>T on transcript NM_001128148.3 (MANE Select); coding-DNA position 2050, C replaced by T.
Protein change: p.His684Tyr; replaces histidine 684 with tyrosine.
Molecular consequence: missense variant.
Genome position (GRCh38, 1-based): chr3:196,052,175, G>A on the plus strand (C>T on the coding strand, the complement: TFRC is on the minus strand). VCF-style: chr3-196052175-G-A. GRCh37 (hg19) VCF-style: chr3-195779046-G-A.
Other names: c.1807C>T, p.His603Tyr (NM_001313965.2); c.1204C>T, p.His402Tyr (NM_001313966.2); c.2050C>T, p.His684Tyr (NM_003234.4); short protein forms H603Y, H684Y, H402Y.
Identifiers: ClinVar variation 3709628 (VCV003709628.2).
Genomic context (GRCh38, chr3:196,052,175, plus strand): 5'-AGCCCCAGAAGACATGTCGGAAAGGAGACTCTTTTGGAGATACGTAGGGAGAGAGGAAGT[G>A]ATACTCCACCTACGAAAACAACACACAAGGCAATTTACACAGCCCTGTGACTTTTGTAGT-3'
Protein context (NP_001121620.1, residues 674-694): LNDRVMRVEY[His684Tyr]FLSPYVSPKE